The following is an entry in ClinVar:

ClinVar aggregate classification (germline): Pathogenic/Likely pathogenic. Review status: criteria provided, multiple submitters, no conflicts (2 of 4 stars). 5 submissions from 5 submitters: Pathogenic (2); Likely pathogenic (2). 1 of the submissions does not count toward it. Last evaluated 2026-01-21.

Conditions:
ABCA4-related disorder. Also called: ABCA4-related disorders; ABCA4-related condition. Identifiers: MedGen CN239167.
Severe early-childhood-onset retinal dystrophy (STGD1). Also called: STGD; Stargardt macular dystrophy; Juvenile onset macular degeneration; Stargardt disease 1; MACULAR DYSTROPHY WITH FLECKS, TYPE 1. Identifiers: Orphanet 364055, Orphanet 827, MedGen C1855465, MeSH D000080362, MONDO:0009549, OMIM 248200.

Allele frequency attached by ClinVar (database versions not stated): gnomAD 0.00001; ExAC 0.00001; TOPMed 0.00002; gnomAD exomes 0.00001.
gnomAD v4.1: 5 of 1,614,194 alleles (0.00031%); highest among the groups gnomAD compares: Admixed American, 0.0083%; no homozygotes.

Submissions (5):

3billion
Classification: Likely pathogenic for ABCA4-related disorder. Last evaluated: 2026-01-21. Review status: criteria provided, single submitter. Criteria: ACMG Guidelines, 2015. Collection method: clinical testing. Allele origin: germline. Affected: yes.
Comment: The variant is observed at an extremely low frequency in the gnomAD v4.1.0 dataset (total allele frequency: <0.001%). Predicted Consequence/Location: Missense variant In silico tool predictions suggest damaging effect of the variant on gene or gene product [REVEL: 0.76 (>=0.6, sensitivity 0.68 and specificity 0.92); 3Cnet: 0.98 (> 0.75, sensitivity 0.96 and precision 0.92)]. The same nucleotide change resulting in the same amino acid change has been previously reported as pathogenic/likely pathogenic with strong evidence (ClinVar ID: VCV001040597 /PMID: 23419329). The variant has been reported to be in trans with a pathogenic variant as either compound heterozygous or homozygous in at least one similarly affected unrelated individual (PMID: 17982420). Therefore, this variant is classified as Likely pathogenic according to the recommendation of ACMG/AMP guideline.

Labcorp Genetics (formerly Invitae), Labcorp
Classification: Pathogenic. Last evaluated: 2025-12-03. Review status: criteria provided, single submitter. Criteria: Invitae Variant Classification Sherloc (09022015). Collection method: clinical testing. Allele origin: germline.
Comment: This sequence change replaces isoleucine, which is neutral and non-polar, with asparagine, which is neutral and polar, at codon 1775 of the ABCA4 protein (p.Ile1775Asn). This variant is present in population databases (rs771742619, gnomAD 0.006%). This missense change has been observed in individual(s) with Stargardt disease (PMID: 23419329, 31736247; internal data). In at least one individual the data is consistent with being in trans (on the opposite chromosome) from a pathogenic variant. ClinVar contains an entry for this variant (Variation ID: 1040597). Invitae Evidence Modeling of protein sequence and biophysical properties (such as structural, functional, and spatial information, amino acid conservation, physicochemical variation, residue mobility, and thermodynamic stability) indicates that this missense variant is expected to disrupt ABCA4 protein function with a positive predictive value of 95%. For these reasons, this variant has been classified as Pathogenic.

GeneDx
Classification: Likely pathogenic. Last evaluated: 2024-11-06. Review status: criteria provided, single submitter. Criteria: GeneDx Variant Classification Process June 2021. Collection method: clinical testing. Allele origin: germline. Affected: yes.
Comment: In silico analysis indicates that this missense variant does not alter protein structure/function; This variant is associated with the following publications: (PMID: 23419329, 31736247, 35120629, 31964843)

Blueprint Genetics
Classification: Pathogenic for ABCA4-related disorders. Last evaluated: 2019-10-22. Review status: criteria provided, single submitter. Criteria: ACMG Guidelines, 2015. Collection method: clinical testing. Allele origin: germline. Affected: yes. Observed: 3 variant alleles.

Ophthalmo-Genetics Lab, Instituto de Oftalmologia Conde de Valenciana
Classification: Pathogenic for Severe early-childhood-onset retinal dystrophy. Review status: no assertion criteria provided. Collection method: research. Allele origin: germline. Inheritance: Autosomal recessive inheritance. Affected: yes. Not counted in ClinVar's aggregate classification.

Literature cited by the submitters: PubMed 17982420 (cited by 3billion); PubMed 23419329 (cited by 3billion and Labcorp Genetics (formerly Invitae), Labcorp); PubMed 31736247 (cited by Labcorp Genetics (formerly Invitae), Labcorp and Ophthalmo-Genetics Lab, Instituto de Oftalmologia Conde de Valenciana).

NM_000350.3(ABCA4):c.5324T>A (p.Ile1775Asn)

Gene: ABCA4 (ATP binding cassette subfamily A member 4; minus strand). Cytogenetic location: 1p22.1.
Variant type: single nucleotide variant.
Coding change: c.5324T>A on transcript NM_000350.3 (MANE Select); coding-DNA position 5324, T replaced by A.
Protein change: p.Ile1775Asn; replaces isoleucine 1775 with asparagine.
Molecular consequence: missense variant.
Genome position (GRCh38, 1-based): chr1:94,014,679, A>T on the plus strand (T>A on the coding strand, the complement: ABCA4 is on the minus strand). VCF-style: chr1-94014679-A-T. GRCh37 (hg19) VCF-style: chr1-94480235-A-T.
Other names: c.5102T>A, p.Ile1701Asn (NM_001425324.1); c.5324T>A (NM_000350.2); short protein forms I1775N, I1701N.
Identifiers: ClinVar variation 1040597 (VCV001040597.10), dbSNP rs771742619, ClinGen allele CA957300.